The following is an entry in ClinVar:

NM_006180.6(NTRK2):c.1627G>C (p.Asp543His)

Gene: NTRK2 (neurotrophic receptor tyrosine kinase 2; plus strand). Cytogenetic location: 9q21.33.
Variant type: single nucleotide variant.
Coding change: c.1627G>C on transcript NM_006180.6 (MANE Select); coding-DNA position 1627, G replaced by C.
Protein change: p.Asp543His; replaces aspartic acid 543 with histidine.
Molecular consequence: missense variant.
Genome position (GRCh38, 1-based): chr9:84,867,425, G>C. VCF-style: chr9-84867425-G-C. GRCh37 (hg19) VCF-style: chr9-87482340-G-C.
Other names: c.1579G>C, p.Asp527His (NM_001018064.3, NM_001018066.3, NM_001369532.1 and 2 more transcripts); c.1627G>C, p.Asp543His (NM_001018065.2, NM_001369537.1); c.1543G>C, p.Asp515His (NM_001369534.1); c.1111G>C, p.Asp371His (NM_001369535.1); c.1159G>C, p.Asp387His (NM_001369536.1); short protein forms D371H, D387H, D515H, D543H, D527H.
Identifiers: ClinVar variation 4056027 (VCV004056027.1).
Genomic context (GRCh38, chr9:84,867,425, plus strand): 5'-AAGATCCCTGTCATTGAAAATCCCCAGTACTTTGGCATCACCAACAGTCAGCTCAAGCCA[G>C]ACACATGTAAGTACAGCTGTTTGTACTTATTGTCCCATTTGCTGCATAGCTGTATCAACC-3'
Protein context (NP_006171.2, residues 533-553): FGITNSQLKP[Asp543His]TFVQHIKRHN

ClinVar aggregate classification (germline): Uncertain significance (1 of 4 stars; one submission).

Submission:

GeneDx
Classification: Uncertain significance. Last evaluated: 2025-01-03. Review status: criteria provided, single submitter. Criteria: GeneDx Variant Classification Process June 2021. Collection method: clinical testing. Allele origin: germline. Affected: yes.
Comment: Not observed at significant frequency in large population cohorts (gnomAD); In silico analysis supports that this missense variant has a deleterious effect on protein structure/function; Has not been previously published as pathogenic or benign to our knowledge